The following is an entry in ClinVar:

NM_005956.4(MTHFD1):c.983C>T (p.Pro328Leu)

Gene: MTHFD1 (methylenetetrahydrofolate dehydrogenase, cyclohydrolase and formyltetrahydrofolate synthetase 1; plus strand). Cytogenetic location: 14q23.3.
Variant type: single nucleotide variant.
Coding change: c.983C>T on transcript NM_005956.4 (MANE Select); coding-DNA position 983, C replaced by T.
Protein change: p.Pro328Leu; replaces proline 328 with leucine.
Molecular consequence: missense variant.
Genome position (GRCh38, 1-based): chr14:64,426,048, C>T. VCF-style: chr14-64426048-C-T. GRCh37 (hg19) VCF-style: chr14-64892766-C-T.
Other names: c.983C>T, p.Pro328Leu (NM_001364837.1); c.983C>T (NM_005956.3); short protein forms P328L.
Identifiers: ClinVar variation 1415904 (VCV001415904.21), dbSNP rs147367593, ClinGen allele CA7226094.
Genomic context (GRCh38, chr14:64,426,048, plus strand): 5'-ACATTAATACCTATTTTCTATGTTTCCAAAGTGACATTGATATATCACGATCTTGTAAAC[C>T]GAAGCCCATTGGTAAGCTGGCTCGAGAAATTGGTCTGCTGTCTGAAGAGGTAGAATTATA-3'
Protein context (NP_005947.3, residues 318-338): SDIDISRSCK[Pro328Leu]KPIGKLAREI

ClinVar aggregate classification (germline): Conflicting classifications of pathogenicity. Review status: criteria provided, conflicting classifications (1 of 4 stars). 5 submissions from 5 submitters: Uncertain significance (3); Likely benign (2). Last evaluated 2026-07-23.

Conditions:
Combined immunodeficiency and megaloblastic anemia with or without hyperhomocysteinemia. Also called: METHYLENETETRAHYDROFOLATE DEHYDROGENASE 1 DEFICIENCY; COMBINED IMMUNODEFICIENCY AND MEGALOBLASTIC ANEMIA. Identifiers: Orphanet 658813, MedGen C4540434, MONDO:0060611, OMIM 617780.
Neural tube defects, folate-sensitive (NTDFS). Also called: NTD, FOLATE-SENSITIVE. Identifiers: Orphanet 823, MedGen C1866558, MONDO:0011120, OMIM 601634.
MTHFD1-related disorder. Also called: MTHFD1-related condition.

Allele frequency attached by ClinVar (database versions not stated): ExAC 0.00069; gnomAD exomes 0.00076 and 0.00133; TOPMed 0.00092; gnomAD 0.00099 and 0.00103; ESP Exome Variant Server 0.00115.
gnomAD v4.1: 2,080 of 1,613,450 alleles (0.13%); highest among the groups gnomAD compares: Non-Finnish European, 0.16%; 3 homozygotes.

Submissions (5):

PreventionGenetics, part of Exact Sciences
Classification: Uncertain significance for MTHFD1-related condition. Last evaluated: 2026-07-23. Review status: criteria provided, single submitter. Criteria: ACMG Guidelines, 2015. Collection method: clinical testing. Allele origin: germline.
Comment: The MTHFD1 c.983C>T variant is predicted to result in the amino acid substitution p.Pro328Leu. To our knowledge, this variant has not been reported in the literature. This variant is reported in 0.15% of alleles in individuals of Ashkenazi Jewish descent in gnomAD, which may be too common to be causative. Although we suspect that this variant may be benign, at this time, the clinical significance of this variant is uncertain due to the absence of conclusive functional and genetic evidence.

Labcorp Genetics (formerly Invitae), Labcorp
Classification: Uncertain significance. Last evaluated: 2025-01-23. Review status: criteria provided, single submitter. Criteria: Invitae Variant Classification Sherloc (09022015). Collection method: clinical testing. Allele origin: germline.
Comment: This sequence change replaces proline, which is neutral and non-polar, with leucine, which is neutral and non-polar, at codon 328 of the MTHFD1 protein (p.Pro328Leu). This variant is present in population databases (rs147367593, gnomAD 0.1%), and has an allele count higher than expected for a pathogenic variant. This variant has not been reported in the literature in individuals affected with MTHFD1-related conditions. ClinVar contains an entry for this variant (Variation ID: 1415904). Invitae Evidence Modeling of protein sequence and biophysical properties (such as structural, functional, and spatial information, amino acid conservation, physicochemical variation, residue mobility, and thermodynamic stability) indicates that this missense variant is not expected to disrupt MTHFD1 protein function with a negative predictive value of 80%. In summary, the available evidence is currently insufficient to determine the role of this variant in disease. Therefore, it has been classified as a Variant of Uncertain Significance.

Blueprint Genetics
Classification: Likely benign. Last evaluated: 2024-11-19. Review status: criteria provided, single submitter. Criteria: ACMG Guidelines, 2015. Collection method: clinical testing. Allele origin: germline.

CeGaT Center for Human Genetics Tuebingen
Classification: Likely benign. Last evaluated: 2024-10-01. Review status: criteria provided, single submitter. Criteria: CeGaT Center For Human Genetics Tuebingen Variant Classification Criteria Version 2. Collection method: clinical testing. Allele origin: germline. Affected: yes. Observed: 1 variant allele.
Comment: MTHFD1: BP4, BS2

Fulgent Genetics
Classification: Uncertain significance for Neural tube defects, folate-sensitive; Combined immunodeficiency and megaloblastic anemia with or without hyperhomocysteinemia. Last evaluated: 2021-09-15. Review status: criteria provided, single submitter. Criteria: ACMG Guidelines, 2015. Collection method: clinical testing. Allele origin: unknown.